The following is an entry in ClinVar:

NM_007194.4(CHEK2):c.1271A>G (p.Tyr424Cys)

Gene: CHEK2 (checkpoint kinase 2; minus strand). Cytogenetic location: 22q12.1.
Variant type: single nucleotide variant.
Coding change: c.1271A>G on transcript NM_007194.4 (MANE Select); coding-DNA position 1271, A replaced by G.
Protein change: p.Tyr424Cys; replaces tyrosine 424 with cysteine.
Molecular consequence: missense variant.
Genome position (GRCh38, 1-based): chr22:28,695,231, T>C on the plus strand (A>G on the coding strand, the complement: CHEK2 is on the minus strand). VCF-style: chr22-28695231-T-C. GRCh37 (hg19) VCF-style: chr22-29091219-T-C.
Other names: c.1400A>G, p.Tyr467Cys (NM_001005735.3); c.608A>G, p.Tyr203Cys (NM_001257387.3); c.1070A>G, p.Tyr357Cys (NM_001349956.3); c.1184A>G, p.Tyr395Cys (NM_145862.3); short protein forms Y357C, Y424C, Y467C, Y203C, Y395C.
Identifiers: ClinVar variation 1347384 (VCV001347384.6), dbSNP rs2145795779, ClinGen allele CA411096313.
Genomic context (GRCh38, chr22:28,695,231, plus strand): 5'-TTTCCACTGGTGATCTGATCCTTCAGTGACACTTGAGTCCTATGCTCAGAGAAAGGTGGA[T>C]ACCCACTAAGGCTTAATATTGGTAGAGAGAGAAAGGAAAAGAAATCAAGTGGCATTCTCA-3'
Protein context (NP_009125.1, residues 414-434): GVILFICLSG[Tyr424Cys]PPFSEHRTQV

ClinVar aggregate classification (germline): Uncertain significance (1 of 4 stars; one submission).

Conditions:
Familial cancer of breast. Also called: hereditary breast carcinoma; Hereditary breast cancer; BREAST CANCER, FAMILIAL. Identifiers: Orphanet 227535, MedGen C0346153, MONDO:0016419, OMIM 114480. Disease mechanism: loss of function.

Submission:

Labcorp Genetics (formerly Invitae), Labcorp
Classification: Uncertain significance for Familial cancer of breast. Last evaluated: 2021-11-01. Review status: criteria provided, single submitter. Criteria: Invitae Variant Classification Sherloc (09022015). Collection method: clinical testing. Allele origin: germline.
Comment: In summary, the available evidence is currently insufficient to determine the role of this variant in disease. Therefore, it has been classified as a Variant of Uncertain Significance. Algorithms developed to predict the effect of missense changes on protein structure and function are either unavailable or do not agree on the potential impact of this missense change (SIFT: "Deleterious"; PolyPhen-2: "Probably Damaging"; Align-GVGD: "Class C0"). This variant has not been reported in the literature in individuals affected with CHEK2-related conditions. This variant is not present in population databases (gnomAD no frequency). This sequence change replaces tyrosine, which is neutral and polar, with cysteine, which is neutral and slightly polar, at codon 424 of the CHEK2 protein (p.Tyr424Cys).